The following is an entry in ClinVar:

NM_000138.5(FBN1):c.3454G>A (p.Ala1152Thr)

Gene: FBN1 (fibrillin 1; minus strand). Cytogenetic location: 15q21.1.
Variant type: single nucleotide variant.
Coding change: c.3454G>A on transcript NM_000138.5 (MANE Select); coding-DNA position 3454, G replaced by A.
Protein change: p.Ala1152Thr; replaces alanine 1152 with threonine.
Molecular consequence: missense variant.
Genome position (GRCh38, 1-based): chr15:48,487,321, C>T on the plus strand (G>A on the coding strand, the complement: FBN1 is on the minus strand). VCF-style: chr15-48487321-C-T. GRCh37 (hg19) VCF-style: chr15-48779518-C-T.
Other names: short protein forms A1152T.
Identifiers: ClinVar variation 255292 (VCV000255292.24), dbSNP rs140890215, ClinGen allele CA050634.

ClinVar aggregate classification (germline): Conflicting classifications of pathogenicity. Review status: criteria provided, conflicting classifications (1 of 4 stars). 10 submissions from 10 submitters: Uncertain significance (3); Benign (1); Likely benign (6). Last evaluated 2025-12-16.

Conditions:
Ectopia lentis 1, isolated, autosomal dominant (ECTOL1). Identifiers: Orphanet 1885, MedGen C3541518, MONDO:0007514, OMIM 129600.
Marfan syndrome (MFS). Also called: MARFAN SYNDROME, TYPE I; FBN1-Related Marfan Syndrome; Marfan syndrome, classic; Marfan syndrome type 1; Marfan's syndrome. Identifiers: Orphanet 284963, Orphanet 558, MedGen C0024796, MONDO:0007947, OMIM 154700.
Acromicric dysplasia (ACMICD). Also called: Acromicric skeletal dysplasia. Identifiers: Orphanet 969, MedGen C0265287, MONDO:0007055, OMIM 102370.
Geleophysic dysplasia 2 (GPHYSD2). Identifiers: Orphanet 2623, MedGen C3280054, MONDO:0013612, OMIM 614185.
MASS syndrome (OCTD). Also called: OVERLAP CONNECTIVE TISSUE DISEASE; MASS PHENOTYPE. Identifiers: MedGen C1858556, MONDO:0011431, OMIM 604308.
Stiff skin syndrome (SSKS). Identifiers: Orphanet 2833, MedGen C1861456, MONDO:0008492, OMIM 184900.
Weill-Marchesani syndrome 2, dominant. Also called: FBN1-Related Weill-Marchesani Syndrome; Weill-Marchesani Syndrome, Autosomal Dominant. Identifiers: Orphanet 2084, MedGen C1869115, MONDO:0012013, OMIM 608328.
Progeroid and marfanoid aspect-lipodystrophy syndrome. Also called: MARFANOID-PROGEROID-LIPODYSTROPHY SYNDROME; MARFANOID-PROGEROID SYNDROME; MARFAN-PROGEROID-LIPODYSTROPHY SYNDROME; Marfan lipodystrophy syndrome. Identifiers: Orphanet 300382, MedGen C4310796, MONDO:0014831, OMIM 616914.
Familial thoracic aortic aneurysm and aortic dissection (TAAD). Also called: Thoracic aortic aneurysms and dissections. Identifiers: Orphanet 91387, MedGen C4707243, MONDO:0019625.

Allele frequency attached by ClinVar (database versions not stated): ExAC 0.00002; 1000 Genomes Project 30x 0.00031; gnomAD exomes 0.00004 and 0.00005; gnomAD 0.00016; ESP Exome Variant Server 0.00008; 1000 Genomes Project 0.00020; TOPMed 0.00023.
gnomAD v4.1: 91 of 1,614,192 alleles (0.0056%); highest among the groups gnomAD compares: African/African-American, 0.023%; 1 homozygote.

Submissions (10):

Labcorp Genetics (formerly Invitae), Labcorp
Classification: Benign for Marfan syndrome; Familial thoracic aortic aneurysm and aortic dissection. Last evaluated: 2025-12-16. Review status: criteria provided, single submitter. Criteria: Invitae Variant Classification Sherloc (09022015). Collection method: clinical testing. Allele origin: germline.

GeneDx
Classification: Uncertain significance. Last evaluated: 2025-07-02. Review status: criteria provided, single submitter. Criteria: GeneDx Variant Classification Process June 2021. Collection method: clinical testing. Allele origin: germline. Affected: yes.
Comment: Has been reported as a variant of uncertain significance in an individual with TAAD (PMID: 29543232); In silico analysis suggests that this missense variant does not alter protein structure/function; Does not affect a cysteine or calcium-binding residue within an EGF-like domain or a TGF-binding protein domain of the FBN1 gene; cysteine substitutions in the EGF-like domains represent the majority of pathogenic missense changes associated with FBN1-related disorders (PMID: 12938084); This variant is associated with the following publications: (PMID: 12938084, 37937776, 29543232, 35982159)

Blueprint Genetics
Classification: Likely benign. Last evaluated: 2024-09-18. Review status: criteria provided, single submitter. Criteria: ACMG Guidelines, 2015. Collection method: clinical testing. Allele origin: germline.

Women's Health and Genetics/Laboratory Corporation of America, LabCorp
Classification: Likely benign. Last evaluated: 2024-08-12. Review status: criteria provided, single submitter. Criteria: LabCorp Variant Classification Summary - May 2015. Collection method: clinical testing. Allele origin: germline.
Comment: Variant summary: FBN1 c.3454G>A (p.Ala1152Thr) results in a non-conservative amino acid change located in the EGF-like domain (IPR000742) of the encoded protein sequence. Three of five in-silico tools predict a benign effect of the variant on protein function. The variant allele was found at a frequency of 5.6e-05 in 1614192 control chromosomes, predominantly at a frequency of 0.00023 within the African or African-American subpopulation in the gnomAD database, including 1 homozygote. The observed variant frequency within African or African-American control individuals in the gnomAD database is approximately 2-fold of the estimated maximal expected allele frequency for a pathogenic variant in FBN1 causing Marfan Syndrome phenotype (0.00011). c.3454G>A has been reported in the literature as a VUS in a setting of multigene panel testing in an individual from a large cohort of familial and sporadic cases of aneurysm or dissection of the thoracic aorta (Weerakkody_2018). This report does not provide unequivocal conclusions about association of the variant with Marfan Syndrome or other FBN1-related disorders. To our knowledge, no experimental evidence demonstrating an impact on protein function has been reported. The following publication has been ascertained in the context of this evaluation (PMID: 29543232). ClinVar contains an entry for this variant (Variation ID: 255292). Based on the evidence outlined above, the variant was classified as likely benign.

Color Diagnostics, LLC DBA Color Health
Classification: Likely benign for Familial thoracic aortic aneurysm and aortic dissection. Last evaluated: 2024-05-06. Review status: criteria provided, single submitter. Criteria: ACMG Guidelines, 2015. Collection method: clinical testing. Allele origin: germline.

Fulgent Genetics
Classification: Uncertain significance for Acromicric dysplasia; Ectopia lentis 1, isolated, autosomal dominant; Marfan syndrome; Stiff skin syndrome; MASS syndrome; Weill-Marchesani syndrome 2, dominant; Geleophysic dysplasia 2; Progeroid and marfanoid aspect-lipodystrophy syndrome. Last evaluated: 2024-02-07. Review status: criteria provided, single submitter. Criteria: ACMG Guidelines, 2015. Collection method: clinical testing. Allele origin: germline.

All of Us Research Program, National Institutes of Health
Classification: Uncertain significance for Marfan syndrome. Last evaluated: 2023-12-01. Review status: criteria provided, single submitter. Criteria: ACMG Guidelines, 2015. Collection method: clinical testing. Allele origin: germline. Inheritance: Autosomal dominant inheritance. Observed: 12 variant alleles, 12 heterozygotes.
Comment: This missense variant replaces alanine with threonine at codon 1152 of the FBN1 protein. Computational prediction suggests that this variant may not impact protein structure and function (internally defined REVEL score threshold <= 0.5, PMID: 27666373). To our knowledge, functional studies have not been reported for this variant. This variant has been reported in an individual affected with thoracic aortic aneurysm and dissection with penetrating atherosclerotic ulcers (PMID: 29543232). This variant has been identified in 14/282878 chromosomes in the general population by the Genome Aggregation Database (gnomAD). The available evidence is insufficient to determine the role of this variant in disease conclusively. Therefore, this variant is classified as a Variant of Uncertain Significance.

This study involves interpretation of variants in research participants for the purpose of population health screening. Participant phenotype was not available at the time of variant classification. Additional details can be found in publication PMID: 35346344, PMCID: PMC8962531

Ambry Genetics
Classification: Likely benign for Familial thoracic aortic aneurysm and aortic dissection. Last evaluated: 2023-10-06. Review status: criteria provided, single submitter. Criteria: Ambry Variant Classification Scheme 2023. Collection method: clinical testing. Allele origin: germline.

Center for Genomics, Ann and Robert H. Lurie Children's Hospital of Chicago
Classification: Likely benign for Geleophysic dysplasia 2; Weill-Marchesani syndrome 2, dominant; Ectopia lentis 1, isolated, autosomal dominant; MASS syndrome; Progeroid and marfanoid aspect-lipodystrophy syndrome; Acromicric dysplasia; Marfan syndrome; Stiff skin syndrome. Review status: criteria provided, single submitter. Criteria: ACMG Guidelines, 2015. Collection method: clinical testing. Allele origin: germline.
Comment: This variant has been reported in the literature in one individual with TAAD (Weerakkody 2018 PMID: 29543232). This variant is present in the Genome Aggregation Database (Highest reported MAF: 0.04% [6/15284], and in 1 homozygote). It is also present in ClinVar, with classifications ranging from uncertain significance to likely benign (Variation ID: 255292). Evolutionary conservation and computational prediction tools are unclear for this variant. In summary, data on this variant suggests that this variant does not cause disease but requires further evidence. Therefore, this variant is classified as likely benign.

PreventionGenetics, part of Exact Sciences
Classification: Likely benign. Review status: criteria provided, single submitter. Criteria: ACMG Guidelines, 2015. Collection method: clinical testing. Allele origin: germline.

Literature cited by the submitters: PubMed 29543232 (cited by 3 submitters).